The following is an entry in ClinVar:

ClinVar aggregate classification (germline): Uncertain significance (1 of 4 stars; one submission).

Submission:

GeneDx
Classification: Uncertain significance. Last evaluated: 2025-06-12. Review status: criteria provided, single submitter. Criteria: GeneDx Variant Classification Process June 2021. Collection method: clinical testing. Allele origin: germline. Affected: yes.
Comment: Not observed at significant frequency in large population cohorts (gnomAD); In silico analysis supports that this missense variant has a deleterious effect on protein structure/function; Has not been previously published as pathogenic or benign to our knowledge

NM_000540.3(RYR1):c.12524C>A (p.Pro4175His)

Gene: RYR1 (ryanodine receptor 1; plus strand). Cytogenetic location: 19q13.2.
Variant type: single nucleotide variant.
Coding change: c.12524C>A on transcript NM_000540.3 (MANE Select); coding-DNA position 12524, C replaced by A.
Protein change: p.Pro4175His; replaces proline 4175 with histidine.
Molecular consequence: missense variant.
Genome position (GRCh38, 1-based): chr19:38,561,354, C>A. VCF-style: chr19-38561354-C-A. GRCh37 (hg19) VCF-style: chr19-39051994-C-A.
Other names: c.12509C>A, p.Pro4170His (NM_001042723.2); short protein forms P4170H, P4175H.
Identifiers: ClinVar variation 4537578 (VCV004537578.1).